The following is an entry in ClinVar:

NM_178857.6(RP1L1):c.3303C>T (p.Pro1101=)

Gene: RP1L1 (RP1 like 1). Cytogenetic location: 8p23.1.
Variant type: single nucleotide variant.
Coding change: c.3303C>T on transcript NM_178857.6 (MANE Select); coding-DNA position 3303, C replaced by T.
Protein change: p.Pro1101=; no amino-acid change (proline 1101 retained).
Molecular consequence: synonymous variant.
Genome position (GRCh38, 1-based): chr8:10,610,795, G>A on the plus strand (C>T on the coding strand, the complement: RP1L1 is on the minus strand). VCF-style: chr8-10610795-G-A. GRCh37 (hg19) VCF-style: chr8-10468305-G-A.
Identifiers: ClinVar variation 361314 (VCV000361314.7), dbSNP rs374612639, ClinGen allele CA4624526.

ClinVar aggregate classification (germline): Likely benign. Review status: criteria provided, single submitter (1 of 4 stars). 2 submissions from 2 submitters: Likely benign (1). 1 of the submissions does not count toward it. Last evaluated 2018-01-13.

Conditions:
RP1L1-related disorder. Also called: RP1L1-related condition.
Occult macular dystrophy (OCMD). Also called: OMD; OCCULT MACULAR DYSTROPHY, SUSCEPTIBILITY TO. Identifiers: Orphanet 247834, MedGen C3150833, MONDO:0013316, OMIM 613587, HP:0030636.

Allele frequency attached by ClinVar (database versions not stated): TOPMed 0.00008.
gnomAD v4.1: 56 of 1,611,244 alleles (0.0035%); highest among the groups gnomAD compares: East Asian, 0.011%; no homozygotes.

Submissions (2):

Illumina Laboratory Services, Illumina
Classification: Likely benign for Occult macular dystrophy. Last evaluated: 2018-01-13. Review status: criteria provided, single submitter. Criteria: ICSL Variant Classification Criteria 13 December 2019. Collection method: clinical testing. Allele origin: germline.
Comment: This variant was observed in the ICSL laboratory as part of a predisposition screen in an ostensibly healthy population. It had not been previously curated by ICSL or reported in the Human Gene Mutation Database (HGMD: prior to June 1st, 2018), and was therefore a candidate for classification through an automated scoring system. Utilizing variant allele frequency, disease prevalence and penetrance estimates, and inheritance mode, an automated score was calculated to assess if this variant is too frequent to cause the disease. Based on the score and internal cut-off values, a variant classified as likely benign is not then subjected to further curation. The score for this variant resulted in a classification of likely benign for this disease.

PreventionGenetics, part of Exact Sciences
Classification: Likely benign for RP1L1-related condition. Last evaluated: 2019-06-19. Review status: no assertion criteria provided. Collection method: clinical testing. Allele origin: germline. Not counted in ClinVar's aggregate classification.
Comment: This variant is classified as likely benign based on ACMG/AMP sequence variant interpretation guidelines (Richards et al. 2015 PMID: 25741868, with internal and published modifications).